The following is an entry in ClinVar:

ClinVar aggregate classification (germline): Pathogenic (1 of 4 stars; one submission).

Conditions:
3-methylcrotonyl-CoA carboxylase 2 deficiency. Also called: METHYLCROTONYLGLYCINURIA, TYPE II; 3 alpha methylcrotonyl-CoA carboxylase 2 deficiency; 3 alpha methylcrotonylglycinuria 2; MCC 2 deficiency; Methylcrotonylglycinuria type 2. Identifiers: Orphanet 6, MedGen C1859499, MONDO:0008862, OMIM 210210.

Submission:

Myriad Genetics, Inc.
Classification: Pathogenic for 3-methylcrotonyl-CoA carboxylase 2 deficiency. Last evaluated: 2025-10-16. Review status: criteria provided, single submitter. Criteria: Myriad Autosomal Dominant, Autosomal Recessive and X-Linked Classification Criteria (2023). Collection method: clinical testing. Allele origin: unknown.
Comment: NM_022132.4(MCCC2):c.138C>G(Y46*) is expected to be pathogenic in the context of 3-methylcrotonyl-CoA carboxylase deficiency, MCCC2-related. This variant is predicted to lead to an abnormal or absent protein product due to the creation of a premature termination codon in MCCC2, a gene where loss-of-function variants are known to be pathogenic. Please note: this variant was assessed in the context of healthy population screening.

NM_022132.5(MCCC2):c.138C>G (p.Tyr46Ter)

Gene: MCCC2 (methylcrotonyl-CoA carboxylase subunit 2; plus strand). Cytogenetic location: 5q13.2.
Variant type: single nucleotide variant.
Coding change: c.138C>G on transcript NM_022132.5 (MANE Select); coding-DNA position 138, C replaced by G.
Protein change: p.Tyr46Ter; replaces tyrosine 46 with a stop codon.
Molecular consequence: nonsense.
Genome position (GRCh38, 1-based): chr5:71,592,934, C>G. VCF-style: chr5-71592934-C-G. GRCh37 (hg19) VCF-style: chr5-70888761-C-G.
Other names: c.138C>G, p.Tyr46Ter (NM_001363147.1); short protein forms Y46*.
Identifiers: ClinVar variation 5015099 (VCV005015099.1).
Genomic context (GRCh38, chr5:71,592,934, plus strand): 5'-AGGAATTGCTTTCTAATATTTCTCTCCCCTGTCTCCTCTATTTCTGTTTTAGGAGAACTA[C>G]AAGCAGATGAAAGCACTAGTAAATCAGCTCCATGAACGAGTGGAGCATATAAAACTAGGT-3'